The following is an entry in ClinVar:

NM_001329943.3(KIAA0586):c.2554-14A>G

Gene: KIAA0586 (KIAA0586; plus strand). Cytogenetic location: 14q23.1.
Variant type: single nucleotide variant.
Coding change: c.2554-14A>G on transcript NM_001329943.3 (MANE Select); 14 bases into the intron before coding-DNA position 2554, A replaced by G.
Molecular consequence: intron variant.
Genome position (GRCh38, 1-based): chr14:58,472,185, A>G. VCF-style: chr14-58472185-A-G. GRCh37 (hg19) VCF-style: chr14-58938903-A-G.
Other names: c.2713-14A>G (NM_001244189.2); c.2509-14A>G (NM_001244190.2); c.2422-14A>G (NM_001244192.2); c.2299-14A>G (NM_001244191.2, NM_001364701.2, NM_001329945.2 and 1 more transcripts); c.2554-14A>G (NM_001329944.2, NM_001329946.2, NM_001329947.2); c.2326-14A>G (NM_014749.5); c.2134-14A>G (NM_001244193.2).
Identifiers: ClinVar variation 2000017 (VCV002000017.4), dbSNP rs2543372548, ClinGen allele CA2580088294.

ClinVar aggregate classification (germline): Uncertain significance (1 of 4 stars; one submission).

Conditions:
Joubert syndrome 23 (JBTS23). Identifiers: Orphanet 475, MedGen C4084822, MONDO:0014664, OMIM 616490.
Short-rib thoracic dysplasia 14 with polydactyly (SRTD14). Identifiers: Orphanet 397715, MedGen C4225286, MONDO:0014688, OMIM 616546.

Submission:

Labcorp Genetics (formerly Invitae), Labcorp
Classification: Uncertain significance for Joubert syndrome 23; Short-rib thoracic dysplasia 14 with polydactyly. Last evaluated: 2024-02-12. Review status: criteria provided, single submitter. Criteria: Invitae Variant Classification Sherloc (09022015). Collection method: clinical testing. Allele origin: germline.
Comment: This sequence change falls in intron 19 of the KIAA0586 gene. It does not directly change the encoded amino acid sequence of the KIAA0586 protein. This variant is not present in population databases (gnomAD no frequency). This variant has not been reported in the literature in individuals affected with KIAA0586-related conditions. ClinVar contains an entry for this variant (Variation ID: 2000017). Algorithms developed to predict the effect of sequence changes on RNA splicing suggest that this variant may disrupt the consensus splice site. In summary, the available evidence is currently insufficient to determine the role of this variant in disease. Therefore, it has been classified as a Variant of Uncertain Significance.